The following is an entry in ClinVar:

ClinVar aggregate classification (germline): Uncertain significance (1 of 4 stars; one submission).

Conditions:
Bone marrow failure syndrome 3 (BMFS3). Identifiers: MedGen C4310744, MONDO:0014887, OMIM 617052.

Submission:

Broad Center for Mendelian Genomics, Broad Institute of MIT and Harvard
Classification: Uncertain significance for Bone marrow failure syndrome 3. Last evaluated: 2018-12-03. Review status: criteria provided, single submitter. Criteria: ACMG Guidelines, 2015. Collection method: research. Allele origin: germline. Inheritance: Autosomal recessive inheritance. Affected: yes.
Comment: This variant was absent from large population studies. Computational prediction tools and conservation analyses suggest that this variant may impact the protein, though this information is not predictive enough to determine pathogenicity. In summary, the clinical significance of the p.Trp155Arg variant is uncertain. ACMG/AMP Criteria applied: PM2, PP3 (Richards 2015).

NM_001012339.3(DNAJC21):c.463T>C (p.Trp155Arg)

Gene: DNAJC21 (DnaJ heat shock protein family (Hsp40) member C21; plus strand). Cytogenetic location: 5p13.2.
Variant type: single nucleotide variant.
Coding change: c.463T>C on transcript NM_001012339.3 (MANE Select); coding-DNA position 463, T replaced by C.
Protein change: p.Trp155Arg; replaces tryptophan 155 with arginine.
Molecular consequence: missense variant.
Genome position (GRCh38, 1-based): chr5:34,937,350, T>C. VCF-style: chr5-34937350-T-C. GRCh37 (hg19) VCF-style: chr5-34937455-T-C.
Other names: c.463T>C, p.Trp155Arg (NM_001348420.2, NM_194283.4); short protein forms W155R.
Identifiers: ClinVar variation 813932 (VCV000813932.1), dbSNP rs1580526653, ClinGen allele CA359414247.
Genomic context (GRCh38, chr5:34,937,350, plus strand): 5'-AAAGCGCAGAAGTTAATCTGTTTTCTTTGTCACTAGGTAGTCCATCCTTTCTACGCTTAT[T>C]GGCAGAGTTTCTGCACTCAAAAGAATTTTGCATGGAAGGAAGAATATGATACACGACAGG-3'
Protein context (NP_001012339.2, residues 145-165): DTVVHPFYAY[Trp155Arg]QSFCTQKNFA